The following is an entry in ClinVar:

ClinVar aggregate classification (germline): Uncertain significance (1 of 4 stars; one submission).

Allele frequency attached by ClinVar (database versions not stated): gnomAD exomes below 0.00001.
gnomAD v4.1: 1 of 1,614,166 alleles (0.000062%); highest among the groups gnomAD compares: Non-Finnish European, 0.000085%; no homozygotes.

Submission:

Labcorp Genetics (formerly Invitae), Labcorp
Classification: Uncertain significance. Last evaluated: 2022-12-30. Review status: criteria provided, single submitter. Criteria: Invitae Variant Classification Sherloc (09022015). Collection method: clinical testing. Allele origin: germline.
Comment: This sequence change replaces proline, which is neutral and non-polar, with serine, which is neutral and polar, at codon 239 of the ABCG8 protein (p.Pro239Ser). In summary, the available evidence is currently insufficient to determine the role of this variant in disease. Therefore, it has been classified as a Variant of Uncertain Significance. Advanced modeling of protein sequence and biophysical properties (such as structural, functional, and spatial information, amino acid conservation, physicochemical variation, residue mobility, and thermodynamic stability) performed at Invitae indicates that this missense variant is not expected to disrupt ABCG8 protein function. This variant has not been reported in the literature in individuals affected with ABCG8-related conditions. This variant is not present in population databases (gnomAD no frequency).

NM_022437.3(ABCG8):c.715C>T (p.Pro239Ser)

Gene: ABCG8 (ATP binding cassette subfamily G member 8; plus strand). Cytogenetic location: 2p21.
Variant type: single nucleotide variant.
Coding change: c.715C>T on transcript NM_022437.3 (MANE Select); coding-DNA position 715, C replaced by T.
Protein change: p.Pro239Ser; replaces proline 239 with serine.
Molecular consequence: missense variant.
Genome position (GRCh38, 1-based): chr2:43,852,619, C>T. VCF-style: chr2-43852619-C-T. GRCh37 (hg19) VCF-style: chr2-44079758-C-T.
Other names: c.715C>T, p.Pro239Ser (NM_001357321.2); short protein forms P239S.
Identifiers: ClinVar variation 2807150 (VCV002807150.3), dbSNP rs144905592, ClinGen allele CA346666325.